The following is an entry in ClinVar:

NM_000236.3(LIPC):c.457-10T>G

Gene: LIPC (lipase C, hepatic type; plus strand). Cytogenetic location: 15q21.3.
Variant type: single nucleotide variant.
Coding change: c.457-10T>G on transcript NM_000236.3 (MANE Select); 10 bases into the intron before coding-DNA position 457, T replaced by G.
Molecular consequence: intron variant.
Genome position (GRCh38, 1-based): chr15:58,542,524, T>G. VCF-style: chr15-58542524-T-G. GRCh37 (hg19) VCF-style: chr15-58834723-T-G.
Identifiers: ClinVar variation 4709126 (VCV004709126.1).

ClinVar aggregate classification (germline): Uncertain significance (1 of 4 stars; one submission).

gnomAD v4.1: 5 of 1,575,758 alleles (0.00032%); no homozygotes.

Submission:

Labcorp Genetics (formerly Invitae), Labcorp
Classification: Uncertain significance. Last evaluated: 2025-08-25. Review status: criteria provided, single submitter. Criteria: Invitae Variant Classification Sherloc (09022015). Collection method: clinical testing. Allele origin: germline.
Comment: This sequence change falls in intron 3 of the LIPC gene. It does not directly change the encoded amino acid sequence of the LIPC protein. This variant is present in population databases (rs768058337, gnomAD 0.01%). This variant has not been reported in the literature in individuals affected with LIPC-related conditions. Algorithms developed to predict the effect of sequence changes on RNA splicing suggest that this variant may disrupt the consensus splice site. In summary, the available evidence is currently insufficient to determine the role of this variant in disease. Therefore, it has been classified as a Variant of Uncertain Significance.